The following is an entry in ClinVar:

ClinVar aggregate classification (germline): Likely pathogenic (1 of 4 stars; one submission).

Submission:

Dasa
Classification: Likely pathogenic. Last evaluated: 2025-07-15. Review status: criteria provided, single submitter. Criteria: DASA Assertion Criteria. Collection method: clinical testing. Allele origin: germline.
Comment: NM_002485.5(NBN):c.2067_2070del (p.Lys690Serfs*18) is a frameshift variant in NBN predicted to alter the reading frame and introduce a premature termination codon and is predicted to result in an absent or altered protein product. Loss of function is an established disease mechanism for NBN-associated disorders. Also, this variant is absent from population databases. Based on the currently available evidence, this variant is classified as likely pathogenic.

NM_002485.5(NBN):c.2067_2070del (p.Lys690fs)

Gene: NBN (nibrin; minus strand). Cytogenetic location: 8q21.3.
Variant type: Deletion.
Coding change: c.2067_2070del on transcript NM_002485.5 (MANE Select); coding-DNA positions 2067 to 2070, 4 bases deleted (AAAG; older notation c.2067_2070delAAAG).
Protein change: p.Lys690fs; shifts the reading frame from lysine 690.
Molecular consequence: frameshift variant.
Genome position (GRCh38, 1-based): chr8:89,946,140-89,946,143, CTTT deleted on the plus strand (AAAG on the coding strand, the reverse complement: NBN is on the minus strand). VCF-style (leftmost placement, unchanged base first): chr8-89946139-CCTTT-C. GRCh37 (hg19) VCF-style: chr8-90958367-CCTTT-C.
Other names: c.1821_1824del, p.Lys608fs (NM_001024688.3, NM_001440379.1, NM_001440380.1); short protein forms K608fs, K690fs.
Identifiers: ClinVar variation 4880733 (VCV004880733.2).
Genomic context (GRCh38, chr8:89,946,139, plus strand): 5'-CACTGGTATCTCTAAAAACATTTCAAACACTGACCTCTTGTGATACAGTTGAAATACCTA[CCTTT>C]TTGAATTTCTTGAAATTTTTTAGTTGACCATAATCATCATTTATGCCAGATGGATTTCTG-3'